The following is an entry in ClinVar:

ClinVar aggregate classification (germline): Benign. Review status: criteria provided, multiple submitters, no conflicts (2 of 4 stars). 6 submissions from 6 submitters: Benign (6). Last evaluated 2026-02-03.

Conditions:
Temtamy preaxial brachydactyly syndrome (TPBS). Identifiers: Orphanet 363417, MedGen C1854466, MONDO:0011533, OMIM 605282.

Allele frequency attached by ClinVar (database versions not stated): gnomAD exomes 0.59420 and 0.64635; ExAC 0.64682; ESP Exome Variant Server 0.66477; gnomAD 0.67566 and 0.67698; TOPMed 0.68535; 1000 Genomes Project 0.75978; 1000 Genomes Project 30x 0.76187.
gnomAD v4.1: 972,397 of 1,613,236 alleles (60%); highest among the groups gnomAD compares: East Asian, 90%; 299,583 homozygotes.

Submissions (6):

Labcorp Genetics (formerly Invitae), Labcorp
Classification: Benign for Temtamy preaxial brachydactyly syndrome. Last evaluated: 2026-02-03. Review status: criteria provided, single submitter. Criteria: Invitae Variant Classification Sherloc (09022015). Collection method: clinical testing. Allele origin: germline.

Blueprint Genetics
Classification: Benign. Last evaluated: 2024-11-27. Review status: criteria provided, single submitter. Criteria: ACMG Guidelines, 2015. Collection method: clinical testing. Allele origin: germline.

Genome-Nilou Lab
Classification: Benign for Temtamy preaxial brachydactyly syndrome. Last evaluated: 2021-07-22. Review status: criteria provided, single submitter. Criteria: ACMG Guidelines, 2015. Collection method: clinical testing. Allele origin: germline. Affected: no.

GeneDx
Classification: Benign. Last evaluated: 2018-06-14. Review status: criteria provided, single submitter. Criteria: GeneDx Variant Classification (06012015). Collection method: clinical testing. Allele origin: germline. Affected: yes.
Comment: This variant is considered likely benign or benign based on one or more of the following criteria: it is a conservative change, it occurs at a poorly conserved position in the protein, it is predicted to be benign by multiple in silico algorithms, and/or has population frequency not consistent with disease.

Mayo Clinic Laboratories, Mayo Clinic
Classification: Benign. Last evaluated: 2017-12-19. Review status: criteria provided, single submitter. Criteria: ACMG Guidelines, 2015. Collection method: clinical testing. Allele origin: germline. Observed: 38 variant alleles.

Breakthrough Genomics
Classification: Benign. Review status: criteria provided, single submitter. Criteria: ACMG Guidelines, 2015. Collection method: not provided. Allele origin: germline. Inheritance: Autosomal recessive inheritance. Affected: yes.

NM_014918.5(CHSY1):c.2322C>A (p.Thr774=)

Gene: CHSY1 (chondroitin sulfate synthase 1; minus strand). Cytogenetic location: 15q26.3.
Variant type: single nucleotide variant.
Coding change: c.2322C>A on transcript NM_014918.5 (MANE Select); coding-DNA position 2322, C replaced by A.
Protein change: p.Thr774=; no amino-acid change (threonine 774 retained).
Molecular consequence: synonymous variant.
Genome position (GRCh38, 1-based): chr15:101,177,475, G>T on the plus strand (C>A on the coding strand, the complement: CHSY1 is on the minus strand). VCF-style: chr15-101177475-G-T. GRCh37 (hg19) VCF-style: chr15-101717680-G-T.
Other names: p.Thr774=.
Identifiers: ClinVar variation 672053 (VCV000672053.16), dbSNP rs8024370, ClinGen allele CA7762384.
Genomic context (GRCh38, chr15:101,177,475, plus strand): 5'-ATTGCTGCTTTTACTGTAACTTGGATCATTTTTTTCCAGCCACATCTCAGCCAGCTGCTG[G>T]GTGGACCCATAGGTCGATGCTTTGGACCCCAAGCACATTTTGTACTGTTTGGGGTCAAGA-3'
Protein context (NP_055733.2, residues 764-784): LGSKASTYGS[Thr774=]QQLAEMWLEK